The following is an entry in ClinVar:

NC_000005.10:g.33985053_33985094del

Gene: SLC45A2 (solute carrier family 45 member 2; minus strand). Cytogenetic location: 5p13.2.
Variant type: Deletion.
Genome position: GRCh38: chr5:33,985,053-33,985,094. GRCh37 (hg19): chr5:33,985,158-33,985,199.
Identifiers: ClinVar variation 1508195 (VCV001508195.6), dbSNP rs1308750871, ClinGen allele CA558969366.

ClinVar aggregate classification (germline): Uncertain significance (1 of 4 stars; one submission).

Submission:

Labcorp Genetics (formerly Invitae), Labcorp
Classification: Uncertain significance. Last evaluated: 2024-02-24. Review status: criteria provided, single submitter. Criteria: Invitae Variant Classification Sherloc (09022015). Collection method: clinical testing. Allele origin: germline.
Comment: This variant occurs in a non-coding region of the SLC45A2 gene. It does not change the encoded amino acid sequence of the SLC45A2 protein. This variant is present in population databases (no rsID available, gnomAD 0.03%). This variant has not been reported in the literature in individuals affected with SLC45A2-related conditions. Experimental studies and prediction algorithms are not available or were not evaluated, and the functional significance of this variant is currently unknown. In summary, the available evidence is currently insufficient to determine the role of this variant in disease. Therefore, it has been classified as a Variant of Uncertain Significance.